The following is an entry in ClinVar:

ClinVar aggregate classification (germline): Likely pathogenic (0 of 4 stars; one submission).

Conditions:
Severe early-childhood-onset retinal dystrophy (STGD1). Also called: Stargardt macular dystrophy; Juvenile onset macular degeneration; Stargardt disease 1; MACULAR DYSTROPHY WITH FLECKS, TYPE 1; STGD. Identifiers: Orphanet 364055, Orphanet 827, MedGen C1855465, MeSH D000080362, MONDO:0009549, OMIM 248200.

Submission:

Department of Genetics, Suzhou Beikang Medical Laboratory
Classification: Likely pathogenic for Severe early-childhood-onset retinal dystrophy. Last evaluated: 2024-10-31. Review status: no assertion criteria provided. Collection method: clinical testing. Allele origin: germline. Affected: no.
Comment: This sequence change creates a premature translational stop signal (p.Gln533*) in the ABCA4 gene. It is expected to result in an absent or disrupted protein product. Loss-of-function variants in ABCA4 are known to be pathogenic (PMID: 9054934, 9092582, 10412977, 10888868, 20238056, 22735453, 22886305, 24707049, 10958761, 24938718, 25312043, 26780318). This variant is not present in population databases (gnomAD no frequency). This variant has not been reported in the literature in individuals affected with ABCA4-related conditions. For these reasons, this variant has been classified as Likely pathogenic.

NM_000350.3(ABCA4):c.1597C>T (p.Gln533Ter)

Gene: ABCA4 (ATP binding cassette subfamily A member 4; minus strand). Cytogenetic location: 1p22.1.
Variant type: single nucleotide variant.
Coding change: c.1597C>T on transcript NM_000350.3 (MANE Select); coding-DNA position 1597, C replaced by T.
Protein change: p.Gln533Ter; replaces glutamine 533 with a stop codon.
Molecular consequence: nonsense.
Genome position (GRCh38, 1-based): chr1:94,063,275, G>A on the plus strand (C>T on the coding strand, the complement: ABCA4 is on the minus strand). VCF-style: chr1-94063275-G-A. GRCh37 (hg19) VCF-style: chr1-94528831-G-A.
Other names: c.1597C>T, p.Gln533Ter (NM_001425324.1); short protein forms Q533*.
Identifiers: ClinVar variation 3370420 (VCV003370420.1).